The following is an entry in ClinVar:

ClinVar aggregate classification (germline): Pathogenic (1 of 4 stars; one submission).

Conditions:
Charcot-Marie-Tooth disease type 2. Also called: Charcot-Marie-Tooth type 2. Identifiers: Orphanet 64746, MedGen C0270914, MONDO:0018993.

Submission:

Labcorp Genetics (formerly Invitae), Labcorp
Classification: Pathogenic for Charcot-Marie-Tooth disease type 2. Last evaluated: 2022-09-01. Review status: criteria provided, single submitter. Criteria: Invitae Variant Classification Sherloc (09022015). Collection method: clinical testing. Allele origin: germline.
Comment: This premature translational stop signal has been observed in individual(s) with laminopathy (PMID: 24656463, 29095976, 30078822). For these reasons, this variant has been classified as Pathogenic. ClinVar contains an entry for this variant (Variation ID: 1457765). This variant is not present in population databases (gnomAD no frequency). This sequence change creates a premature translational stop signal (p.Gln15*) in the LMNA gene. It is expected to result in an absent or disrupted protein product. Loss-of-function variants in LMNA are known to be pathogenic (PMID: 18585512, 18926329).

Literature cited by the submitters: PubMed 24656463; PubMed 29095976; PubMed 30078822; PubMed 18585512; PubMed 18926329.

NM_170707.4(LMNA):c.43C>T (p.Gln15Ter)

Genes: LMNA (lamin A/C; plus strand), LOC129931597 (ATAC-STARR-seq lymphoblastoid silent region 1421; plus strand). Cytogenetic location: 1q22.
Variant type: single nucleotide variant.
Coding change: c.43C>T on transcript NM_170707.4 (MANE Select); coding-DNA position 43, C replaced by T.
Protein change: p.Gln15Ter; replaces glutamine 15 with a stop codon.
Molecular consequence: nonsense.
Genome position (GRCh38, 1-based): chr1:156,114,961, C>T. VCF-style: chr1-156114961-C-T. GRCh37 (hg19) VCF-style: chr1-156084752-C-T.
Other names: c.43C>T, p.Gln15Ter (NM_001282625.2, NM_001282626.2, NM_005572.4 and 1 more transcripts); short protein forms Q15*.
Identifiers: ClinVar variation 1457765 (VCV001457765.6), dbSNP rs2102817088, ClinGen allele CA342806990.